The following is an entry in ClinVar:

ClinVar aggregate classification (germline): Uncertain significance (1 of 4 stars; one submission).

Allele frequency attached by ClinVar (database versions not stated): gnomAD exomes 0.00001.

Submission:

Labcorp Genetics (formerly Invitae), Labcorp
Classification: Uncertain significance. Last evaluated: 2025-12-01. Review status: criteria provided, single submitter. Criteria: Invitae Variant Classification Sherloc (09022015). Collection method: clinical testing. Allele origin: germline.
Comment: This sequence change replaces valine, which is neutral and non-polar, with methionine, which is neutral and non-polar, at codon 98 of the TMEM106B protein (p.Val98Met). This variant is present in population databases (no rsID available, gnomAD 0.0009%). This variant has not been reported in the literature in individuals affected with TMEM106B-related conditions. ClinVar contains an entry for this variant (Variation ID: 2779250). Invitae Evidence Modeling of protein sequence and biophysical properties (such as structural, functional, and spatial information, amino acid conservation, physicochemical variation, residue mobility, and thermodynamic stability) indicates that this missense variant is not expected to disrupt TMEM106B protein function with a negative predictive value of 80%. In summary, the available evidence is currently insufficient to determine the role of this variant in disease. Therefore, it has been classified as a Variant of Uncertain Significance.

NM_001134232.2(TMEM106B):c.292G>A (p.Val98Met)

Gene: TMEM106B (transmembrane protein 106B; plus strand). Cytogenetic location: 7p21.3.
Variant type: single nucleotide variant.
Coding change: c.292G>A on transcript NM_001134232.2 (MANE Select); coding-DNA position 292, G replaced by A.
Protein change: p.Val98Met; replaces valine 98 with methionine.
Molecular consequence: missense variant.
Genome position (GRCh38, 1-based): chr7:12,224,236, G>A. VCF-style: chr7-12224236-G-A. GRCh37 (hg19) VCF-style: chr7-12263862-G-A.
Other names: c.292G>A, p.Val98Met (NM_018374.4); short protein forms V98M.
Identifiers: ClinVar variation 2779250 (VCV002779250.3), dbSNP rs1366784152, ClinGen allele CA366855099.